The following is an entry in ClinVar:

ClinVar aggregate classification (germline): Conflicting classifications of pathogenicity. Review status: criteria provided, conflicting classifications (1 of 4 stars). 5 submissions from 5 submitters: Likely pathogenic (1); Uncertain significance (4). Last evaluated 2025-06-09.

Conditions:
Ovarian cancer. Also called: OVARIAN CANCER, SOMATIC. Identifiers: Orphanet 213500, MedGen C1140680, MONDO:0008170, OMIM 167000.
Fanconi anemia complementation group D2. Also called: FANCD2-Related Fanconi Anemia; FANCONI PANCYTOPENIA, TYPE 4; FANCONI ANEMIA, COMPLEMENTATION GROUP D. Identifiers: Orphanet 84, MedGen C3160738, MONDO:0009214, OMIM 227646.
Fanconi anemia (FA). Also called: Fanconi's anemia. Identifiers: Orphanet 84, MedGen C0015625, MeSH D005199, MONDO:0019391.

Allele frequency attached by ClinVar (database versions not stated): gnomAD exomes 0.00003 and 0.00004; ExAC 0.00002; TOPMed 0.00004.
gnomAD v4.1: 68 of 1,613,760 alleles (0.0042%); highest among the groups gnomAD compares: East Asian, 0.11%; no homozygotes.

Submissions (5):

Dasa
Classification: Uncertain significance. Last evaluated: 2025-06-09. Review status: criteria provided, single submitter. Criteria: DASA Assertion Criteria. Collection method: clinical testing. Allele origin: germline.
Comment: NM_001018115.3(FANCD2):c.3973C>A (p.Leu1325Met) is a missense variant that results in the substitution of leucine with methionine. This variant is rare in population databases. Computational prediction algorithms are consistent with a benign effect. The currently available literature and clinical evidence are not sufficient to establish a definitive association between this variant and the reported condition. Therefore, this variant is classified as a variant of uncertain significance.

Labcorp Genetics (formerly Invitae), Labcorp
Classification: Uncertain significance for Fanconi anemia. Last evaluated: 2025-01-23. Review status: criteria provided, single submitter. Criteria: Invitae Variant Classification Sherloc (09022015). Collection method: clinical testing. Allele origin: germline.
Comment: This sequence change replaces leucine, which is neutral and non-polar, with methionine, which is neutral and non-polar, at codon 1325 of the FANCD2 protein (p.Leu1325Met). This variant is present in population databases (rs555539811, gnomAD 0.02%). This missense change has been observed in individual(s) with clinical features of FANCD2-related conditions (PMID: 36463940, 36622392). ClinVar contains an entry for this variant (Variation ID: 456358). Invitae Evidence Modeling of protein sequence and biophysical properties (such as structural, functional, and spatial information, amino acid conservation, physicochemical variation, residue mobility, and thermodynamic stability) has been performed for this missense variant. However, the output from this modeling did not meet the statistical confidence thresholds required to predict the impact of this variant on FANCD2 protein function. In summary, the available evidence is currently insufficient to determine the role of this variant in disease. Therefore, it has been classified as a Variant of Uncertain Significance.

Fulgent Genetics
Classification: Uncertain significance for Fanconi anemia complementation group D2. Last evaluated: 2024-02-06. Review status: criteria provided, single submitter. Criteria: ACMG Guidelines, 2015. Collection method: clinical testing. Allele origin: germline.

Laboratory of Molecular Epidemiology of Birth Defects, West China Second University Hospital, Sichuan University
Classification: Likely pathogenic for Ovarian cancer. Last evaluated: 2022-01-01. Review status: criteria provided, single submitter. Criteria: ACMG Guidelines, 2015. Collection method: clinical testing. Allele origin: germline. Affected: yes.

Sema4
Classification: Uncertain significance for Fanconi anemia. Last evaluated: 2021-04-14. Review status: criteria provided, single submitter. Criteria: Sema4 Curation Guidelines. Collection method: curation. Allele origin: germline.
Comment: The FANCD2 c.3973C>A (p.L1325M) variant has not been reported in the literature to our knowledge. It was observed in 5/18392 chromosomes in the East Asian subpopulation in the large and broad cohorts of the Genome Aggregation Database (PMID: 32461654). The variant has been reported in ClinVar (Variation ID: 456358). In silico tools suggest the impact of the variant on protein function is inconclusive, though these predictions have not been confirmed by functional studies. The evidence is insufficient to meet ACMG/AMP criteria for classifying the variant as benign or pathogenic. Thus, the clinical significance of this variant is currently uncertain.

Literature cited by the submitters: PubMed 36463940 (cited by Labcorp Genetics (formerly Invitae), Labcorp); PubMed 36622392 (cited by Labcorp Genetics (formerly Invitae), Labcorp).

NM_001018115.3(FANCD2):c.3973C>A (p.Leu1325Met)

Genes: FANCD2 (FA complementation group D2; plus strand), FANCD2OS (FANCD2 opposite strand; minus strand). Cytogenetic location: 3p25.3.
Variant type: single nucleotide variant.
Coding change: c.3973C>A on transcript NM_001018115.3 (MANE Select); coding-DNA position 3973, C replaced by A.
Protein change: p.Leu1325Met; replaces leucine 1325 with methionine.
Molecular consequence: missense variant. On other transcripts: intron variant (1).
Genome position (GRCh38, 1-based): chr3:10,095,209, C>A. VCF-style: chr3-10095209-C-A. GRCh37 (hg19) VCF-style: chr3-10136893-C-A.
Other names: c.3973C>A, p.Leu1325Met (NM_001319984.2, NM_033084.6); c.3862C>A, p.Leu1288Met (NM_001374253.1); c.3934C>A, p.Leu1312Met (NM_001374254.1); c.*43+8989G>T (NM_173472.2); short protein forms L1325M, L1288M, L1312M.
Identifiers: ClinVar variation 456358 (VCV000456358.13), dbSNP rs555539811, ClinGen allele CA2250597.